The following is an entry in ClinVar:

ClinVar aggregate classification (germline): Uncertain significance. Review status: criteria provided, multiple submitters, no conflicts (2 of 4 stars). 2 submissions from 2 submitters: Uncertain significance (2). Last evaluated 2025-08-18.

Allele frequency attached by ClinVar (database versions not stated): gnomAD exomes below 0.00001; TOPMed below 0.00001; ExAC 0.00001.
gnomAD v4.1: 2 of 1,599,718 alleles (0.00013%); highest among the groups gnomAD compares: Admixed American, 0.0033%; no homozygotes.

Submissions (2):

Labcorp Genetics (formerly Invitae), Labcorp
Classification: Uncertain significance. Last evaluated: 2025-08-18. Review status: criteria provided, single submitter. Criteria: Invitae Variant Classification Sherloc (09022015). Collection method: clinical testing. Allele origin: germline.
Comment: This sequence change creates a premature translational stop signal (p.Ser242*) in the FGF12 gene. While this is not anticipated to result in nonsense mediated decay, it is expected to disrupt the last 2 amino acid(s) of the FGF12 protein. This variant is present in population databases (rs752116921, gnomAD 0.006%). This variant has not been reported in the literature in individuals affected with FGF12-related conditions. ClinVar contains an entry for this variant (Variation ID: 1803626). In summary, the available evidence is currently insufficient to determine the role of this variant in disease. Therefore, it has been classified as a Variant of Uncertain Significance.

GeneDx
Classification: Uncertain significance. Last evaluated: 2022-06-06. Review status: criteria provided, single submitter. Criteria: GeneDx Variant Classification Process June 2021. Collection method: clinical testing. Allele origin: germline. Affected: yes.
Comment: Nonsense variant predicted to result in protein truncation as the last 2 amino acids are lost, although loss-of-function variants have not been reported downstream of this position in the protein; Has not been previously published as pathogenic or benign to our knowledge

NM_004113.6(FGF12):c.539C>G (p.Ser180Ter)

Gene: FGF12 (fibroblast growth factor 12; minus strand). Cytogenetic location: 3q28.
Variant type: single nucleotide variant.
Coding change: c.539C>G on transcript NM_004113.6 (MANE Select); coding-DNA position 539, C replaced by G.
Protein change: p.Ser180Ter; replaces serine 180 with a stop codon.
Molecular consequence: nonsense.
Genome position (GRCh38, 1-based): chr3:192,144,016, G>C on the plus strand (C>G on the coding strand, the complement: FGF12 is on the minus strand). VCF-style: chr3-192144016-G-C. GRCh37 (hg19) VCF-style: chr3-191861805-G-C.
Other names: c.428C>G, p.Ser143Ter (NM_001377292.1); c.467C>G, p.Ser156Ter (NM_001377293.1, NM_001377294.1); c.725C>G, p.Ser242Ter (NM_021032.5); short protein forms S143*, S156*, S180*, S242*.
Identifiers: ClinVar variation 1803626 (VCV001803626.6), dbSNP rs752116921, ClinGen allele CA2755711.
Genomic context (GRCh38, chr3:192,144,016, plus strand): 5'-GGAAGGAAGGGAAGGGGAAGGGATGAGAGAGGGAAGAAGGGGAGAGTTCTCAGCTATGTT[G>C]AATCTTGATTCACAACTTTGCCTCCATTCATGGTTGGTGTTCCAGAACTTTTCCTTGAAC-3'